The following is an entry in ClinVar:

ClinVar aggregate classification (germline): Pathogenic. Review status: criteria provided, multiple submitters, no conflicts (2 of 4 stars). 4 submissions from 4 submitters: Pathogenic (3). 1 of the submissions does not count toward it. Last evaluated 2024-07-07.

Conditions:
Tyrosinemia type I (TYRSN1). Also called: Tyrosinemia type 1; Fumarylacetoacetase deficiency; HEPATORENAL TYROSINEMIA; Deficiency of fumarylacetoacetase; FAH DEFICIENCY. Identifiers: Orphanet 882, MedGen C0268490, MONDO:0010161, OMIM 276700. Disease mechanism: loss of function.

Submissions (4):

Natera, Inc.
Classification: Pathogenic for Tyrosinemia type I. Last evaluated: 2024-07-07. Review status: criteria provided, single submitter. Criteria: Natera Variant Classification Schema (03/2026). Collection method: clinical testing. Allele origin: germline.
Comment: The c.744delG variant in FAH is a frameshift variant predicted to shift the reading frame beginning at codon 249 and leads to a stop codon 55 codons downstream. This variant is expected to result in nonsense mediated decay, truncation, or a dysfunctional protein product. This variant is rare in the general population with a frequency below the threshold expected for the associated phenotype(s). This variant has been observed in one or more individuals affected with the associated recessive disease, as either homozygous or compound heterozygous with a second variant (PMID: 22554029). Given the available evidence, this variant is classified as Pathogenic.

Labcorp Genetics (formerly Invitae), Labcorp
Classification: Pathogenic for Tyrosinemia type I. Last evaluated: 2024-01-04. Review status: criteria provided, single submitter. Criteria: Invitae Variant Classification Sherloc (09022015). Collection method: clinical testing. Allele origin: germline.
Comment: This sequence change creates a premature translational stop signal (p.Pro249Hisfs*55) in the FAH gene. It is expected to result in an absent or disrupted protein product. Loss-of-function variants in FAH are known to be pathogenic (PMID: 9101289, 9633815). This variant is present in population databases (rs750741137, gnomAD 0.002%). This premature translational stop signal has been observed in individual(s) with clinical features of tyrosinemia (PMID: 22554029). ClinVar contains an entry for this variant (Variation ID: 370275). For these reasons, this variant has been classified as Pathogenic.

Baylor Genetics
Classification: Pathogenic for Tyrosinemia type I. Last evaluated: 2023-08-10. Review status: criteria provided, single submitter. Criteria: ACMG Guidelines, 2015. Collection method: clinical testing. Allele origin: unknown.

Counsyl
Classification: Likely pathogenic for Tyrosinemia type I. Last evaluated: 2016-01-05. Review status: no assertion criteria provided. Collection method: clinical testing. Allele origin: unknown. Not counted in ClinVar's aggregate classification.

Literature cited by the submitters: PubMed 22554029 (cited by 3 submitters); PubMed 9101289 (cited by Labcorp Genetics (formerly Invitae), Labcorp); PubMed 9633815 (cited by Labcorp Genetics (formerly Invitae), Labcorp).

NM_000137.4(FAH):c.744del (p.Pro249fs)

Gene: FAH (fumarylacetoacetate hydrolase; plus strand). Cytogenetic location: 15q25.1.
Variant type: Deletion.
Coding change: c.744del on transcript NM_000137.4 (MANE Select); coding-DNA position 744, one base deleted (G; older notation c.744delG).
Protein change: p.Pro249fs; shifts the reading frame from proline 249.
Molecular consequence: frameshift variant.
Genome position (GRCh38, 1-based): chr15:80,173,051, G deleted; the last of 3 consecutive G bases (chr15:80,173,049-80,173,051); deleting any one gives the same sequence. VCF-style (leftmost placement, unchanged base first): chr15-80173048-CG-C. GRCh37 (hg19) VCF-style: chr15-80465390-CG-C.
Other names: c.744del, p.Pro249fs (NM_001374377.1, NM_001374380.1); short protein forms P249fs.
Identifiers: ClinVar variation 370275 (VCV000370275.10), dbSNP rs750741137, ClinGen allele CA7691329.